The following is an entry in ClinVar:

NM_006514.4(SCN10A):c.5009T>A (p.Ile1670Asn)

Gene: SCN10A (sodium voltage-gated channel alpha subunit 10; minus strand). Cytogenetic location: 3p22.2.
Variant type: single nucleotide variant.
Coding change: c.5009T>A on transcript NM_006514.4 (MANE Select); coding-DNA position 5009, T replaced by A.
Protein change: p.Ile1670Asn; replaces isoleucine 1670 with asparagine.
Molecular consequence: missense variant.
Genome position (GRCh38, 1-based): chr3:38,698,211, A>T on the plus strand (T>A on the coding strand, the complement: SCN10A is on the minus strand). VCF-style: chr3-38698211-A-T. GRCh37 (hg19) VCF-style: chr3-38739702-A-T.
Other names: c.5006T>A, p.Ile1669Asn (NM_001293306.2); c.4715T>A, p.Ile1572Asn (NM_001293307.2); short protein forms I1572N, I1669N, I1670N.
Identifiers: ClinVar variation 3438111 (VCV003438111.1).

ClinVar aggregate classification (germline): Uncertain significance (1 of 4 stars; one submission).

Conditions:
Cardiovascular phenotype. Identifiers: MedGen CN230736.

Submission:

Ambry Genetics
Classification: Uncertain significance for Cardiovascular phenotype. Last evaluated: 2024-09-08. Review status: criteria provided, single submitter. Criteria: Ambry Variant Classification Scheme 2023. Collection method: clinical testing. Allele origin: germline.
Comment: The p.I1670N variant (also known as c.5009T>A), located in coding exon 27 of the SCN10A gene, results from a T to A substitution at nucleotide position 5009. The isoleucine at codon 1670 is replaced by asparagine, an amino acid with dissimilar properties. This amino acid position is conserved. In addition, this alteration is predicted to be deleterious by in silico analysis. Based on the available evidence, the clinical significance of this variant remains unclear.